The following is an entry in ClinVar:

NM_001142864.4(PIEZO1):c.3802_3804del (p.Glu1268del)

Gene: PIEZO1 (piezo type mechanosensitive ion channel component 1 (Er blood group); minus strand). Cytogenetic location: 16q24.3.
Variant type: Deletion.
Coding change: c.3802_3804del on transcript NM_001142864.4 (MANE Select); coding-DNA positions 3802 to 3804, 3 bases deleted (GAG; older notation c.3802_3804delGAG).
Protein change: p.Glu1268del; deletes glutamic acid 1268.
Molecular consequence: inframe deletion.
Genome position (GRCh38, 1-based): chr16:88,726,448-88,726,450, CTC deleted on the plus strand (GAG on the coding strand, the reverse complement: PIEZO1 is on the minus strand); deleting any 3 consecutive bases within chr16:88,726,448-88,726,452 gives the same sequence; the c. name uses the placement nearest the transcript's 3' end. VCF-style (leftmost placement, unchanged base first): chr16-88726447-TCTC-T. GRCh37 (hg19) VCF-style: chr16-88792855-TCTC-T.
Other names: short protein forms E1268del.
Identifiers: ClinVar variation 4884049 (VCV004884049.2).

ClinVar aggregate classification (germline): Uncertain significance (1 of 4 stars; one submission).

Submission:

Dasa
Classification: Uncertain significance. Last evaluated: 2025-06-27. Review status: criteria provided, single submitter. Criteria: DASA Assertion Criteria. Collection method: clinical testing. Allele origin: germline.
Comment: NM_001142864.4(PIEZO1):c.3802_3804del (p.Glu1268del) is an in-frame deletion predicted to remove glutamic acid at protein position 1268 without shifting the reading frame. This variant is rare in population databases. The currently available literature and clinical evidence are not sufficient to establish a definitive association between this variant and the reported condition. Therefore, this variant is classified as a variant of uncertain significance.